The following is an entry in ClinVar:

NM_003872.3(NRP2):c.2425+22A>G

Gene: NRP2 (neuropilin 2; plus strand). Cytogenetic location: 2q33.3.
Variant type: single nucleotide variant.
Coding change: c.2425+22A>G on transcript NM_003872.3 (MANE Select); 22 bases into the intron after coding-DNA position 2425, A replaced by G.
Molecular consequence: intron variant.
Genome position (GRCh38, 1-based): chr2:205,766,825, A>G. VCF-style: chr2-205766825-A-G. GRCh37 (hg19) VCF-style: chr2-206631549-A-G.
Other names: c.2440+7A>G (NM_201266.2, NM_018534.4); c.2425+22A>G (NM_201279.2, NM_201267.2).
Identifiers: ClinVar variation 3035929 (VCV003035929.2), dbSNP rs201894040, ClinGen allele CA2069439.

ClinVar aggregate classification (germline): Likely benign (0 of 4 stars; one submission).

Conditions:
NRP2-related disorder. Also called: NRP2-related condition.

Allele frequency attached by ClinVar (database versions not stated): ExAC 0.00013; gnomAD 0.00028; TOPMed 0.00031; ESP Exome Variant Server 0.00039; 1000 Genomes Project 30x 0.00047; 1000 Genomes Project 0.00060.
gnomAD v4.1: 104 of 1,610,314 alleles (0.0065%); highest among the groups gnomAD compares: African/African-American, 0.12%; 1 homozygote.

Submission:

PreventionGenetics, part of Exact Sciences
Classification: Likely benign for NRP2-related condition. Last evaluated: 2022-04-28. Review status: no assertion criteria provided. Collection method: clinical testing. Allele origin: germline.
Comment: This variant is classified as likely benign based on ACMG/AMP sequence variant interpretation guidelines (Richards et al. 2015 PMID: 25741868, with internal and published modifications).